The following is an entry in ClinVar:

NM_000548.5(TSC2):c.376G>A (p.Val126Ile)

Gene: TSC2 (TSC complex subunit 2; plus strand). Cytogenetic location: 16p13.3.
Variant type: single nucleotide variant.
Coding change: c.376G>A on transcript NM_000548.5 (MANE Select); coding-DNA position 376, G replaced by A.
Protein change: p.Val126Ile; replaces valine 126 with isoleucine.
Molecular consequence: missense variant. On other transcripts: intron variant (1).
Genome position (GRCh38, 1-based): chr16:2,054,335, G>A. VCF-style: chr16-2054335-G-A. GRCh37 (hg19) VCF-style: chr16-2104336-G-A.
Other names: c.409G>A, p.Val137Ile (NM_001318832.2); c.376G>A, p.Val126Ile (NM_001363528.2, NM_001370404.1, NM_001370405.1 and 3 more transcripts); c.-1-1861G>A (NM_001318831.2); c.376G>A (NM_000548.3); c.265G>A, p.Val89Ile (NM_001318827.2); c.229G>A, p.Val77Ile (NM_001318829.2); short protein forms V126I, V137I, V77I, V89I.
Identifiers: ClinVar variation 1022346 (VCV001022346.10), dbSNP rs1458070269, ClinGen allele CA394306754.

ClinVar aggregate classification (germline): Uncertain significance. Review status: criteria provided, multiple submitters, no conflicts (2 of 4 stars). 2 submissions from 2 submitters: Uncertain significance (2). Last evaluated 2025-10-23.

Conditions:
Hereditary cancer-predisposing syndrome. Also called: Hereditary neoplastic syndrome; Neoplastic Syndromes, Hereditary; Tumor predisposition; Hereditary Cancer Syndrome. Identifiers: Orphanet 140162, MedGen C0027672, MeSH D009386, MONDO:0015356.
Tuberous sclerosis 2 (TSC2). Identifiers: Orphanet 805, MedGen C1860707, MONDO:0013199, OMIM 613254.

Allele frequency attached by ClinVar (database versions not stated): gnomAD exomes below 0.00001; TOPMed below 0.00001.
gnomAD v4.1: 1 of 1,614,178 alleles (0.000062%); highest among the groups gnomAD compares: Non-Finnish European, 0.000085%; no homozygotes.

Submissions (2):

Ambry Genetics
Classification: Uncertain significance for Hereditary cancer-predisposing syndrome. Last evaluated: 2025-10-23. Review status: criteria provided, single submitter. Criteria: Ambry Variant Classification Scheme 2023. Collection method: clinical testing. Allele origin: germline.
Comment: The p.V126I variant (also known as c.376G>A), located in coding exon 4 of the TSC2 gene, results from a G to A substitution at nucleotide position 376. The valine at codon 126 is replaced by isoleucine, an amino acid with highly similar properties. This amino acid position is conserved. In addition, the in silico prediction for this alteration is inconclusive. Based on the available evidence, the clinical significance of this variant remains unclear.

Labcorp Genetics (formerly Invitae), Labcorp
Classification: Uncertain significance for Tuberous sclerosis 2. Last evaluated: 2023-01-06. Review status: criteria provided, single submitter. Criteria: Invitae Variant Classification Sherloc (09022015). Collection method: clinical testing. Allele origin: germline.
Comment: In summary, the available evidence is currently insufficient to determine the role of this variant in disease. Therefore, it has been classified as a Variant of Uncertain Significance. Algorithms developed to predict the effect of sequence changes on RNA splicing suggest that this variant may disrupt the consensus splice site. Advanced modeling of protein sequence and biophysical properties (such as structural, functional, and spatial information, amino acid conservation, physicochemical variation, residue mobility, and thermodynamic stability) performed at Invitae indicates that this missense variant is not expected to disrupt TSC2 protein function. ClinVar contains an entry for this variant (Variation ID: 1022346). This variant has not been reported in the literature in individuals affected with TSC2-related conditions. This variant is not present in population databases (gnomAD no frequency). This sequence change replaces valine, which is neutral and non-polar, with isoleucine, which is neutral and non-polar, at codon 126 of the TSC2 protein (p.Val126Ile).